The following is an entry in ClinVar:

ClinVar aggregate classification (germline): Pathogenic (1 of 4 stars; one submission).

Conditions:
Myofibrillar myopathy 4. Also called: Zaspopathy (type). Identifiers: Orphanet 98912, MedGen C4721886, MONDO:0012277, OMIM 609452.

Submission:

Labcorp Genetics (formerly Invitae), Labcorp
Classification: Pathogenic for Myofibrillar myopathy 4. Last evaluated: 2023-07-11. Review status: criteria provided, single submitter. Criteria: Invitae Variant Classification Sherloc (09022015). Collection method: clinical testing. Allele origin: germline.
Comment: This sequence change creates a premature translational stop signal (p.Lys21Glnfs*27) in the LDB3 gene. It is expected to result in an absent or disrupted protein product in both transcripts. However, loss-of-function variants in LDB3 are only known to be pathogenic in the alternate transcript (PMID: 36253531). For these reasons, this variant has been classified as Pathogenic. This variant has not been reported in the literature in individuals affected with LDB3-related conditions. This variant is not present in population databases (gnomAD no frequency). The LDB3 gene has multiple clinically relevant transcripts. This variant occurs in alternate transcript NM_007078.3, which corresponds to the same sequence change NM_001080116.1:c.59dup in the primary transcript.

Literature cited by the submitters: PubMed 36253531.

NM_007078.3(LDB3):c.59dup (p.Lys21fs)

Gene: LDB3 (LIM domain binding 3; plus strand). Cytogenetic location: 10q23.2.
Variant type: Duplication.
Coding change: c.59dup on transcript NM_007078.3 (MANE Select); coding-DNA position 59, one base duplicated (G; older notation c.59dupG).
Protein change: p.Lys21fs; shifts the reading frame from lysine 21.
Molecular consequence: frameshift variant.
Genome position (GRCh38, 1-based): chr10:86,668,750, G duplicated; the last of 6 consecutive G bases (chr10:86,668,745-86,668,750); duplicating any one gives the same sequence. VCF-style (leftmost placement, unchanged base first): chr10-86668744-A-AG. GRCh37 (hg19) VCF-style: chr10-88428501-A-AG.
Other names: c.59dup, p.Lys21fs (NM_001080114.2, NM_001080115.2, NM_001080116.1 and 8 more transcripts); short protein forms K21fs.
Identifiers: ClinVar variation 2733907 (VCV002733907.3), dbSNP rs1308589918, ClinGen allele CA2697558512.
Genomic context (GRCh38, chr10:86,668,744, plus strand): 5'-GCACCAGCATGTCTTACAGTGTGACCCTGACTGGGCCCGGGCCCTGGGGCTTCCGTCTGC[A>AG]GGGGGGCAAGGACTTCAACATGCCCCTCACTATCTCCCGGGTGAGTGCACCCTGCCACAG-3'